The following is an entry in ClinVar:

NM_006005.3(WFS1):c.2397C>G (p.Thr799=)

Gene: WFS1 (wolframin ER transmembrane glycoprotein; plus strand). Cytogenetic location: 4p16.1.
Variant type: single nucleotide variant.
Coding change: c.2397C>G on transcript NM_006005.3 (MANE Select); coding-DNA position 2397, C replaced by G.
Protein change: p.Thr799=; no amino-acid change (threonine 799 retained).
Molecular consequence: synonymous variant.
Genome position (GRCh38, 1-based): chr4:6,302,192, C>G. VCF-style: chr4-6302192-C-G. GRCh37 (hg19) VCF-style: chr4-6303919-C-G.
Other names: c.2397C>G, p.Thr799= (NM_001145853.1).
Identifiers: ClinVar variation 507098 (VCV000507098.12), dbSNP rs747760206, ClinGen allele CA2839721.
Genomic context (GRCh38, chr4:6,302,192, plus strand): 5'-GGGCATGCCATTCAGCAGCGGCGCTGACGGCTCGCGCAGCCGCGAGGAGGACGACGTCAC[C>G]AAGGACATCGTGCTGCGGGCCAGCAGCGAGTTCAAGAGCGTGCTGCTCAGCCTGCGCCAG-3'
Protein context (NP_005996.2, residues 789-809): GSRSREEDDV[Thr799=]KDIVLRASSE

ClinVar aggregate classification (germline): Benign/Likely benign. Review status: criteria provided, multiple submitters, no conflicts (2 of 4 stars). 5 submissions from 5 submitters: Benign (1); Likely benign (3). 1 of the submissions does not count toward it. Last evaluated 2026-01-29.

Conditions:
WFS1-related disorder. Identifiers: MedGen CN379391, MONDO:0700293.
Wolfram syndrome 1 (WFS1). Identifiers: Orphanet 3463, MedGen C4551693, MONDO:0009101, OMIM 222300.

Allele frequency attached by ClinVar (database versions not stated): ExAC 0.00001; gnomAD exomes 0.00002; gnomAD 0.00004 and 0.00005; TOPMed 0.00006.
gnomAD v4.1: 211 of 1,612,138 alleles (0.013%); highest among the groups gnomAD compares: Non-Finnish European, 0.017%; no homozygotes.

Submissions (5):

Labcorp Genetics (formerly Invitae), Labcorp
Classification: Likely benign. Last evaluated: 2026-01-29. Review status: criteria provided, single submitter. Criteria: Invitae Variant Classification Sherloc (09022015). Collection method: clinical testing. Allele origin: germline.

Blueprint Genetics
Classification: Likely benign. Last evaluated: 2022-11-02. Review status: criteria provided, single submitter. Criteria: ACMG Guidelines, 2015. Collection method: clinical testing. Allele origin: germline.

GeneDx
Classification: Likely benign. Last evaluated: 2017-02-02. Review status: criteria provided, single submitter. Criteria: GeneDx Variant Classification (06012015). Collection method: clinical testing. Allele origin: germline. Affected: yes.
Comment: This variant is considered likely benign or benign based on one or more of the following criteria: it is a conservative change, it occurs at a poorly conserved position in the protein, it is predicted to be benign by multiple in silico algorithms, and/or has population frequency not consistent with disease.

Clinical Genomics, Uppaluri K&H Personalized Medicine Clinic
Classification: Benign for Wolfram syndrome 1. Review status: criteria provided, single submitter. Criteria: K & H Uppaluri Personalized Medicine Clinic Variant Classification & Assertion Criteria_Updated V.1. Collection method: research. Allele origin: unknown. Inheritance: Autosomal recessive inheritance.
Comment: Potent mutations in WFS1 gene are associated with Wolfram's syndrome, an autosomal recessive condition, which cause diabetes mellitus, diabetes insipidus, deafness and optic atrophy. However no sufficient evidence is found to ascertain the role of this particular variant rs747760206 in Wolfram's syndrome yet.

PreventionGenetics, part of Exact Sciences
Classification: Likely benign for WFS1-related condition. Last evaluated: 2019-07-18. Review status: no assertion criteria provided. Collection method: clinical testing. Allele origin: germline. Not counted in ClinVar's aggregate classification.
Comment: This variant is classified as likely benign based on ACMG/AMP sequence variant interpretation guidelines (Richards et al. 2015 PMID: 25741868, with internal and published modifications).

Literature cited by the submitters: PubMed 20738327 (cited by Clinical Genomics, Uppaluri K&H Personalized Medicine Clinic); PubMed 33879153 (cited by Clinical Genomics, Uppaluri K&H Personalized Medicine Clinic); PubMed 12955714 (cited by Clinical Genomics, Uppaluri K&H Personalized Medicine Clinic); PubMed 18060660 (cited by Clinical Genomics, Uppaluri K&H Personalized Medicine Clinic); PubMed 20301750 (cited by Clinical Genomics, Uppaluri K&H Personalized Medicine Clinic); PubMed 17603484 (cited by Clinical Genomics, Uppaluri K&H Personalized Medicine Clinic).